The following is an entry in ClinVar:

ClinVar aggregate classification (germline): Uncertain significance (0 of 4 stars; one submission).

Conditions:
NRP2-related disorder. Also called: NRP2-related condition.

Allele frequency attached by ClinVar (database versions not stated): ExAC 0.00014; TOPMed 0.00016; ESP Exome Variant Server 0.00023; 1000 Genomes Project 0.00040; 1000 Genomes Project 30x 0.00062.
gnomAD v4.1: 173 of 1,614,124 alleles (0.011%); highest among the groups gnomAD compares: Middle Eastern, 0.15%; 1 homozygote.

Submission:

PreventionGenetics, part of Exact Sciences
Classification: Uncertain significance for NRP2-related condition. Last evaluated: 2024-09-10. Review status: no assertion criteria provided. Collection method: clinical testing. Allele origin: germline.
Comment: The NRP2 c.1282C>T variant is predicted to result in the amino acid substitution p.Arg428Trp. This variant has been reported in the compound heterozygous state in one individual with infantile epileptic encephalopathy. However, this individual also harbored a de novo variant in an epilepsy-associated gene (Veeramah et al. 2012. PubMed ID: 22365152). This variant is reported in 0.13% of alleles in individuals of Ashkenazi Jewish descent in gnomAD. Although we suspect this variant is benign, at this time, the clinical significance of this variant is uncertain due to the absence of conclusive functional and genetic evidence.

NM_003872.3(NRP2):c.1282C>T (p.Arg428Trp)

Gene: NRP2 (neuropilin 2; plus strand). Cytogenetic location: 2q33.3.
Variant type: single nucleotide variant.
Coding change: c.1282C>T on transcript NM_003872.3 (MANE Select); coding-DNA position 1282, C replaced by T.
Protein change: p.Arg428Trp; replaces arginine 428 with tryptophan.
Molecular consequence: missense variant.
Genome position (GRCh38, 1-based): chr2:205,740,654, C>T. VCF-style: chr2-205740654-C-T. GRCh37 (hg19) VCF-style: chr2-206605378-C-T.
Other names: c.1282C>T, p.Arg428Trp (NM_018534.4, NM_201264.2, NM_201266.2 and 2 more transcripts); short protein forms R428W.
Identifiers: ClinVar variation 2634159 (VCV002634159.3), dbSNP rs139711818, ClinGen allele CA2069056.